The following is an entry in ClinVar:

NM_001267550.2(TTN):c.2371-3C>A

Gene: TTN (titin; minus strand). Cytogenetic location: 2q31.2.
Variant type: single nucleotide variant.
Coding change: c.2371-3C>A on transcript NM_001267550.2 (MANE Select); 3 bases into the intron before coding-DNA position 2371, C replaced by A.
Molecular consequence: intron variant.
Genome position (GRCh38, 1-based): chr2:178,785,745, G>T on the plus strand (C>A on the coding strand, the complement: TTN is on the minus strand). VCF-style: chr2-178785745-G-T. GRCh37 (hg19) VCF-style: chr2-179650472-G-T.
Other names: c.2233-3C>A (NM_003319.4, NM_133437.4, NM_133432.3); c.2371-3C>A (NM_133378.4, NM_001256850.1, NM_133379.5).
Identifiers: ClinVar variation 498180 (VCV000498180.7), dbSNP rs781723495, ClinGen allele CA658796101.

ClinVar aggregate classification (germline): Uncertain significance. Review status: criteria provided, multiple submitters, no conflicts (2 of 4 stars). 2 submissions from 2 submitters: Uncertain significance (2). Last evaluated 2016-11-03.

Conditions:
Myopathy, myofibrillar, 9, with early respiratory failure (MFM9). Also called: Myopathy, distal, with early respiratory failure, autosomal dominant; EDSTROM MYOPATHY; MYOPATHY, PROXIMAL, WITH EARLY RESPIRATORY MUSCLE INVOLVEMENT; Hereditary myopathy with early respiratory failure. Identifiers: Orphanet 178464, Orphanet 34521, MedGen C1863599, MONDO:0011362, OMIM 603689.
Early-onset myopathy with fatal cardiomyopathy (CMYO5). Also called: CONGENITAL MYOPATHY 5 WITH CARDIOMYOPATHY; Salih Myopathy. Identifiers: Orphanet 289377, MedGen C2673677, MONDO:0012714, OMIM 611705. Disease mechanism: loss of function.
Autosomal recessive limb-girdle muscular dystrophy type 2J (LGMDR10). Also called: MUSCULAR DYSTROPHY, LIMB-GIRDLE, AUTOSOMAL RECESSIVE 10; Limb-girdle muscular dystrophy, type 2J. Identifiers: Orphanet 140922, MedGen C1837342, MONDO:0012127, OMIM 608807.
Dilated cardiomyopathy 1G (CMD1G). Identifiers: Orphanet 154, MedGen C1858763, MONDO:0011400, OMIM 604145.
Hypertrophic cardiomyopathy 9. Also called: Familial hypertrophic cardiomyopathy 9. Identifiers: MedGen C1861065, MONDO:0013412, OMIM 613765.
Tibial muscular dystrophy (TMD). Also called: UDD MYOPATHY; Tibial muscular dystrophy, tardive; Udd Distal Myopathy – Tibial Muscular Dystrophy. Identifiers: Orphanet 609, MedGen C1838244, MONDO:0010870, OMIM 600334.

gnomAD v4.1: 1 of 1,614,144 alleles (0.000062%); highest among the groups gnomAD compares: Middle Eastern, 0.016%; no homozygotes.

Submissions (2):

Eurofins Ntd Llc (ga)
Classification: Uncertain significance. Last evaluated: 2016-11-03. Review status: criteria provided, single submitter. Criteria: EGL Classification Definitions 2015. Collection method: clinical testing. Allele origin: germline. Observed: 1 variant allele, 1 heterozygote.

Juno Genomics, Hangzhou Juno Genomics, Inc
Classification: Uncertain significance for Early-onset myopathy with fatal cardiomyopathy; Dilated cardiomyopathy 1G; Hypertrophic cardiomyopathy 9; Autosomal recessive limb-girdle muscular dystrophy type 2J; Myopathy, myofibrillar, 9, with early respiratory failure; Tibial muscular dystrophy. Review status: criteria provided, single submitter. Criteria: ACMG Guidelines, 2015. Collection method: clinical testing. Allele origin: germline.
Comment: Absent from controls (or at extremely low frequency if recessive) in Genome Aggregation Database.;Multiple lines of computational evidence support a deleterious effect on the gene or gene product.